The following is an entry in ClinVar:

NM_006579.3(EBP):c.424C>T (p.Arg142Cys)

Gene: EBP (EBP cholestenol delta-isomerase; plus strand). Cytogenetic location: Xp11.23.
Variant type: single nucleotide variant.
Coding change: c.424C>T on transcript NM_006579.3 (MANE Select); coding-DNA position 424, C replaced by T.
Protein change: p.Arg142Cys; replaces arginine 142 with cysteine.
Molecular consequence: missense variant.
Genome position (GRCh38, 1-based): chrX:48,527,240, C>T. VCF-style: chrX-48527240-C-T. GRCh37 (hg19) VCF-style: chrX-48385628-C-T.
Other names: short protein forms R142C.
Identifiers: ClinVar variation 2664912 (VCV002664912.3), dbSNP rs953562416, ClinGen allele CA329073976.
Genomic context (GRCh38, chrX:48,527,240, plus strand): 5'-GAAACCATCACAGCTTGCCTGTGGGGACCACTCAGCCTGTGGGTGGTGATCGCCTTTCTC[C>T]GCCAGCATCCCCTCCGCTTCATTCTACAGCTTGTGGTCTCTGTGGGTAAGGAAAGGGCAC-3'
Protein context (NP_006570.1, residues 132-152): LSLWVVIAFL[Arg142Cys]QHPLRFILQL

ClinVar aggregate classification (germline): Conflicting classifications of pathogenicity. Review status: criteria provided, conflicting classifications (1 of 4 stars). 2 submissions from 2 submitters: Uncertain significance (1); Likely benign (1). Last evaluated 2024-12-02.

Conditions:
MEND syndrome (MEND). Also called: MALE EBP DISORDER WITH NEUROLOGIC DEFECTS. Identifiers: Orphanet 401973, MedGen C4085243, MONDO:0010498, OMIM 300960.

Allele frequency attached by ClinVar (database versions not stated): gnomAD exomes 0.00001; TOPMed 0.00002; gnomAD 0.00003.
gnomAD v4.1: 10 of 1,209,550 alleles (0.00083%); highest among the groups gnomAD compares: Admixed American, 0.0044%; no homozygotes.

Submissions (2):

Labcorp Genetics (formerly Invitae), Labcorp
Classification: Likely benign. Last evaluated: 2024-12-02. Review status: criteria provided, single submitter. Criteria: Invitae Variant Classification Sherloc (09022015). Collection method: clinical testing. Allele origin: germline.

Neuberg Centre For Genomic Medicine, NCGM
Classification: Uncertain significance for MEND syndrome. Last evaluated: 2023-02-14. Review status: criteria provided, single submitter. Criteria: ACMG Guidelines, 2015. Collection method: clinical testing. Allele origin: germline. Inheritance: X-linked recessive inheritance. Affected: yes.
Comment: The missense c.424C>T (p.Arg142Cys) variant in EBP gene has not been reported previously as a pathogenic variant nor as a benign variant, to our knowledge. The p.Arg142Cys variant has allele frequency 0.0005% in gnomAD Exomes and is novel (not in any individuals) in 1000 Genomes. This variant has not been reported to the ClinVar database. The amino acid change p.Arg142Cys in EBP is predicted as conserved by GERP++ and PhyloP across 100 vertebrates. The amino acid Arg at position 142 is changed to a Cys changing protein sequence and it might alter its composition and physico-chemical properties. For these reasons, this variant has been classified as Variant of Uncertain Significance (VUS).